The following is an entry in ClinVar:

NM_000054.7(AVPR2):c.*257G>A

Gene: AVPR2 (arginine vasopressin receptor 2; plus strand). Cytogenetic location: Xq28.
Variant type: single nucleotide variant.
Coding change: c.*257G>A on transcript NM_000054.7 (MANE Select); 257 bases downstream of the stop codon, G replaced by A.
Molecular consequence: 3 prime UTR variant. On other transcripts: non-coding transcript variant (1).
Genome position (GRCh38, 1-based): chrX:153,906,985, G>A. VCF-style: chrX-153906985-G-A. GRCh37 (hg19) VCF-style: chrX-153172439-G-A.
Other names: c.*549G>A (NM_001146151.3).
Identifiers: ClinVar variation 368083 (VCV000368083.5), dbSNP rs73627263, ClinGen allele CA10555168.

ClinVar aggregate classification (germline): Benign (1 of 4 stars; one submission).

Conditions:
Diabetes insipidus, nephrogenic, X-linked. Also called: Nephrogenic Diabetes Insipidus, Type I. Identifiers: Orphanet 223, MedGen C1563705, MONDO:0010581, OMIM 304800.

Allele frequency attached by ClinVar (database versions not stated): gnomAD exomes 0.00292 and 0.00506; ExAC 0.00640; 1000 Genomes Project 0.02119; gnomAD 0.02204 and 0.02353; TOPMed 0.02518.
gnomAD v4.1: 3,582 of 484,143 alleles (0.74%); highest among the groups gnomAD compares: African/African-American, 7.6%; 95 homozygotes.

Submission:

Illumina Laboratory Services, Illumina
Classification: Benign for Diabetes insipidus, nephrogenic, X-linked. Last evaluated: 2017-04-27. Review status: criteria provided, single submitter. Criteria: ICSL Variant Classification Criteria 13 December 2019. Collection method: clinical testing. Allele origin: germline.
Comment: This variant was observed as part of a predisposition screen in an ostensibly healthy population. A literature search was performed for the gene, cDNA change, and amino acid change (where applicable). No publications were found based on this search. Allele frequency data from public databases was too high to be consistent with this variant causing disease. Therefore, this variant is classified as benign.